The following is an entry in ClinVar:

NM_001164508.2(NEB):c.19429C>T (p.Arg6477Cys)

Genes: NEB (nebulin; minus strand), LOC126806373 (BRD4-independent group 4 enhancer GRCh37_chr2:152410007-152411206; plus strand). Cytogenetic location: 2q23.3.
Variant type: single nucleotide variant.
Coding change: c.19429C>T on transcript NM_001164508.2 (MANE Select); coding-DNA position 19429, C replaced by T.
Protein change: p.Arg6477Cys; replaces arginine 6477 with cysteine.
Molecular consequence: missense variant.
Genome position (GRCh38, 1-based): chr2:151,554,025, G>A on the plus strand (C>T on the coding strand, the complement: NEB is on the minus strand). VCF-style: chr2-151554025-G-A. GRCh37 (hg19) VCF-style: chr2-152410539-G-A.
Other names: c.19429C>T, p.Arg6477Cys (NM_001164507.2, NM_001271208.2); c.14326C>T, p.Arg4776Cys (NM_004543.5); short protein forms R4776C, R6477C.
Identifiers: ClinVar variation 845121 (VCV000845121.8), dbSNP rs765181095, ClinGen allele CA1907633.

ClinVar aggregate classification (germline): Uncertain significance. Review status: criteria provided, single submitter (1 of 4 stars). 2 submissions from 2 submitters: Uncertain significance (1). 1 of the submissions does not count toward it. Last evaluated 2022-07-09.

Conditions:
Nemaline myopathy 2 (NEM2). Also called: Nemaline myopathy 2, autosomal recessive. Identifiers: MedGen C1850569, MONDO:0009725, OMIM 256030.

Allele frequency attached by ClinVar (database versions not stated): TOPMed 0.00005.
gnomAD v4.1: 30 of 1,613,218 alleles (0.0019%); highest among the groups gnomAD compares: Admixed American, 0.015%; no homozygotes.

Submissions (2):

Labcorp Genetics (formerly Invitae), Labcorp
Classification: Uncertain significance for Nemaline myopathy 2. Last evaluated: 2022-07-09. Review status: criteria provided, single submitter. Criteria: Invitae Variant Classification Sherloc (09022015). Collection method: clinical testing. Allele origin: germline.
Comment: This sequence change replaces arginine, which is basic and polar, with cysteine, which is neutral and slightly polar, at codon 6477 of the NEB protein (p.Arg6477Cys). This variant is present in population databases (rs765181095, gnomAD 0.02%). This variant has not been reported in the literature in individuals affected with NEB-related conditions. ClinVar contains an entry for this variant (Variation ID: 845121). Algorithms developed to predict the effect of missense changes on protein structure and function are either unavailable or do not agree on the potential impact of this missense change (SIFT: "Deleterious"; PolyPhen-2: "Not Available"; Align-GVGD: "Class C0"). In summary, the available evidence is currently insufficient to determine the role of this variant in disease. Therefore, it has been classified as a Variant of Uncertain Significance.

Natera, Inc.
Classification: Uncertain significance for Nemaline myopathy type 2. Last evaluated: 2020-02-26. Review status: no assertion criteria provided. Collection method: clinical testing. Allele origin: germline. Not counted in ClinVar's aggregate classification.